The following is an entry in ClinVar:

NM_003036.4(SKI):c.248C>T (p.Pro83Leu)

Gene: SKI (SKI proto-oncogene; plus strand). Cytogenetic location: 1p36.33.
Variant type: single nucleotide variant.
Coding change: c.248C>T on transcript NM_003036.4 (MANE Select); coding-DNA position 248, C replaced by T.
Protein change: p.Pro83Leu; replaces proline 83 with leucine.
Molecular consequence: missense variant.
Genome position (GRCh38, 1-based): chr1:2,229,014, C>T. VCF-style: chr1-2229014-C-T. GRCh37 (hg19) VCF-style: chr1-2160453-C-T.
Other names: short protein forms P83L.
Identifiers: ClinVar variation 409973 (VCV000409973.7), dbSNP rs1060502672, ClinGen allele CA16610017.
Genomic context (GRCh38, chr1:2,229,014, plus strand): 5'-CGGTGCCCGCAGCCACCGAGCCGCCGCCCGTGCTGCACCTGCCCGCCATCCAGCCGCCGC[C>T]GCCCGTGCTGCCCGGGCCCTTCTTCATGCCGTCCGACCGCTCCACCGAGCGCTGCGAGAC-3'
Protein context (NP_003027.1, residues 73-93): VLHLPAIQPP[Pro83Leu]PVLPGPFFMP

ClinVar aggregate classification (germline): Uncertain significance (1 of 4 stars; one submission).

Conditions:
Shprintzen-Goldberg syndrome (SGS). Also called: SHPRINTZEN-GOLDBERG CRANIOSYNOSTOSIS SYNDROME; CRANIOSYNOSTOSIS WITH ARACHNODACTYLY AND ABDOMINAL HERNIAS; Marfanoid disorder with craniosynostosis type 1; Marfanoid craniosynostosis syndrome; Shprintzen-Goldberg marfanoid syndrome. Identifiers: Orphanet 2462, MedGen C1321551, MONDO:0008426, OMIM 182212.

gnomAD v4.1: 2 of 1,586,320 alleles (0.00013%); highest among the groups gnomAD compares: Non-Finnish European, 0.00017%; no homozygotes.

Submission:

Labcorp Genetics (formerly Invitae), Labcorp
Classification: Uncertain significance for Shprintzen-Goldberg syndrome. Last evaluated: 2021-08-03. Review status: criteria provided, single submitter. Criteria: Invitae Variant Classification Sherloc (09022015). Collection method: clinical testing. Allele origin: germline.
Comment: In summary, this variant is a novel missense change with uncertain impact on protein function. It has been classified as a Variant of Uncertain Significance. This sequence change replaces proline with leucine at codon 83 of the SKI protein (p.Pro83Leu). The proline residue is highly conserved and there is a moderate physicochemical difference between proline and leucine. This variant is not present in population databases (ExAC no frequency) and has not been reported in the literature in individuals with a SKI-related disease. Algorithms developed to predict the effect of missense changes on protein structure and function do not agree on the potential impact of this missense change (SIFT: "Deleterious"; PolyPhen-2: "Probably Damaging"; Align-GVGD: "Class C0").